The following is an entry in ClinVar:

NM_000218.3(KCNQ1):c.1348G>A (p.Glu450Lys)

Gene: KCNQ1 (potassium voltage-gated channel subfamily Q member 1; plus strand). Cytogenetic location: 11p15.5.
Variant type: single nucleotide variant.
Coding change: c.1348G>A on transcript NM_000218.3 (MANE Select); coding-DNA position 1348, G replaced by A.
Protein change: p.Glu450Lys; replaces glutamic acid 450 with lysine.
Molecular consequence: missense variant.
Genome position (GRCh38, 1-based): chr11:2,588,809, G>A. VCF-style: chr11-2588809-G-A. GRCh37 (hg19) VCF-style: chr11-2610039-G-A.
Other names: c.1252G>A, p.Glu418Lys (NM_001406836.1); c.1078G>A, p.Glu360Lys (NM_001406837.1); c.808G>A, p.Glu270Lys (NM_001406838.1); c.967G>A, p.Glu323Lys (NM_181798.2); short protein forms E323K, E450K, E270K, E360K, E418K.
Identifiers: ClinVar variation 1002115 (VCV001002115.18), dbSNP rs148266527, ClinGen allele CA028841.
Genomic context (GRCh38, chr11:2,588,809, plus strand): 5'-GGGGTGACTCCTGGAGAGAAGATGCTCACAGTCCCCCATATCACGTGCGACCCCCCAGAA[G>A]AGCGGCGGCTGGACCACTTCTCTGTCGACGGCTATGACAGTTCTGGTGAGAACCCCTCAG-3'
Protein context (NP_000209.2, residues 440-460): VPHITCDPPE[Glu450Lys]RRLDHFSVDG

ClinVar aggregate classification (germline): Conflicting classifications of pathogenicity. Review status: criteria provided, conflicting classifications (1 of 4 stars). 4 submissions from 4 submitters: Uncertain significance (2); Benign (1); Likely benign (1). Last evaluated 2025-10-17.

Conditions:
Cardiovascular phenotype. Identifiers: MedGen CN230736.
Long QT syndrome (LQTS). Identifiers: MedGen C0023976, MeSH D008133, MONDO:0002442. Disease mechanism: loss of function. Inheritance: Various modes of inheritance.

Allele frequency attached by ClinVar (database versions not stated): gnomAD exomes below 0.00001 and 0.00001; TOPMed 0.00001; ExAC 0.00003; ESP Exome Variant Server 0.00015; 1000 Genomes Project 30x 0.00016; 1000 Genomes Project 0.00020.
gnomAD v4.1: 5 of 1,613,332 alleles (0.00031%); highest among the groups gnomAD compares: African/African-American, 0.0053%; no homozygotes.

Submissions (4):

Labcorp Genetics (formerly Invitae), Labcorp
Classification: Benign for Long QT syndrome. Last evaluated: 2025-10-17. Review status: criteria provided, single submitter. Criteria: Invitae Variant Classification Sherloc (09022015). Collection method: clinical testing. Allele origin: germline.

Ambry Genetics
Classification: Uncertain significance for Cardiovascular phenotype. Last evaluated: 2025-03-05. Review status: criteria provided, single submitter. Criteria: Ambry Variant Classification Scheme 2023. Collection method: clinical testing. Allele origin: germline.
Comment: The p.E450K variant (also known as c.1348G>A), located in coding exon 10 of the KCNQ1 gene, results from a G to A substitution at nucleotide position 1348. The glutamic acid at codon 450 is replaced by lysine, an amino acid with similar properties. This alteration has been reported in a sudden unexplained death cohort; however, clinical details were limited (Huang J et al. J Forensic Sci, 2015 Mar;60:351-6). This amino acid position is not well conserved in available vertebrate species. In addition, the in silico prediction for this alteration is inconclusive. Since supporting evidence is limited at this time, the clinical significance of this alteration remains unclear.

All of Us Research Program, National Institutes of Health
Classification: Uncertain significance for Long QT syndrome. Last evaluated: 2024-08-06. Review status: criteria provided, single submitter. Criteria: ACMG Guidelines, 2015. Collection method: clinical testing. Allele origin: germline. Inheritance: Autosomal dominant inheritance. Observed: 5 variant alleles, 5 heterozygotes.
Comment: This missense variant replaces glutamic acid with lysine at codon 450 of the KCNQ1 protein. Computational prediction is inconclusive regarding the impact of this variant on protein structure and function (internally defined REVEL score threshold 0.5 < inconclusive < 0.7, PMID: 27666373). To our knowledge, functional studies have not been reported for this variant. This variant has not been reported in individuals affected with KCNQ1-related disorders in the literature. This variant has been identified in 2/250152 chromosomes in the general population by the Genome Aggregation Database (gnomAD). The available evidence is insufficient to determine the role of this variant in disease conclusively. Therefore, this variant is classified as a Variant of Uncertain Significance.

This study involves interpretation of variants in research participants for the purpose of population health screening. Participant phenotype was not available at the time of variant classification. Additional details can be found in publication PMID: 35346344, PMCID: PMC8962531

GeneDx
Classification: Likely benign. Last evaluated: 2015-03-03. Review status: criteria provided, single submitter. Criteria: GeneDx Variant Classification Process June 2021. Collection method: clinical testing. Allele origin: germline. Affected: yes.

Literature cited by the submitters: PubMed 25639344 (cited by Ambry Genetics).